The following is an entry in ClinVar:

ClinVar aggregate classification (germline): Uncertain significance. Review status: criteria provided, multiple submitters, no conflicts (2 of 4 stars). 2 submissions from 2 submitters: Uncertain significance (2). Last evaluated 2025-03-12.

Conditions:
Inborn genetic diseases. Identifiers: MedGen C0950123, MeSH D030342.

gnomAD v4.1: 4 of 1,191,070 alleles (0.00034%); highest among the groups gnomAD compares: East Asian, 0.0036%; no homozygotes.

Submissions (2):

Labcorp Genetics (formerly Invitae), Labcorp
Classification: Uncertain significance. Last evaluated: 2025-03-12. Review status: criteria provided, single submitter. Criteria: Invitae Variant Classification Sherloc (09022015). Collection method: clinical testing. Allele origin: germline.
Comment: This sequence change replaces serine, which is neutral and polar, with leucine, which is neutral and non-polar, at codon 46 of the NR2F1 protein (p.Ser46Leu). This variant is present in population databases (no rsID available, gnomAD 0.06%). This variant has not been reported in the literature in individuals affected with NR2F1-related conditions. ClinVar contains an entry for this variant (Variation ID: 3300948). Invitae Evidence Modeling of protein sequence and biophysical properties (such as structural, functional, and spatial information, amino acid conservation, physicochemical variation, residue mobility, and thermodynamic stability) indicates that this missense variant is not expected to disrupt NR2F1 protein function with a negative predictive value of 80%. In summary, the available evidence is currently insufficient to determine the role of this variant in disease. Therefore, it has been classified as a Variant of Uncertain Significance.

Ambry Genetics
Classification: Uncertain significance for Inborn genetic diseases. Last evaluated: 2024-05-24. Review status: criteria provided, single submitter. Criteria: Ambry Variant Classification Scheme 2023. Collection method: clinical testing. Allele origin: germline.

NM_005654.6(NR2F1):c.137C>T (p.Ser46Leu)

Genes: NR2F1 (nuclear receptor subfamily 2 group F member 1; plus strand), NR2F1-AS1 (NR2F1 regulatory antisense RNA 1; minus strand). Cytogenetic location: 5q15.
Variant type: single nucleotide variant.
Coding change: c.137C>T on transcript NM_005654.6 (MANE Select); coding-DNA position 137, C replaced by T.
Protein change: p.Ser46Leu; replaces serine 46 with leucine.
Molecular consequence: missense variant.
Genome position (GRCh38, 1-based): chr5:93,585,160, C>T. VCF-style: chr5-93585160-C-T. GRCh37 (hg19) VCF-style: chr5-92920866-C-T.
Other names: short protein forms S46L.
Identifiers: ClinVar variation 3300948 (VCV003300948.2).